The following is an entry in ClinVar:

ClinVar aggregate classification (germline): Likely pathogenic (1 of 4 stars; one submission).

Submissions (2):

GeneDx
Classification: Likely pathogenic. Last evaluated: 2021-02-09. Review status: criteria provided, single submitter. Criteria: GeneDx Variant Classification Process June 2021. Collection method: clinical testing. Allele origin: germline. Affected: yes.
Comment: Not observed in large population cohorts (Lek et al., 2016); Has not been previously published as pathogenic or benign to our knowledge; Targeted RNA studies using blood from this patient demonstrate that this variant alters RNA splicing by damaging the natural splice donor site of intron 2 which leads to the retention of the first 45 nucleotides of intron 2 sequence, although the effect of this in-frame insertion on protein function is unknown. Of note, a similar result was observed by RNA studies for a different pathogenic variant (c.225+5G>A) which affects the same splice donor site (May et al., 2015).

Dr. Peter K. Rogan Lab, Western University
No classification provided (evidence only). Condition: Nonpapillary renal cell carcinoma. Review status: no classification provided. Collection method: in vitro. Allele origin: not applicable. Functional consequence: retained intron. Not counted in ClinVar's aggregate classification.

NM_018684.4(ZC4H2):c.225G>T (p.Val75=)

Gene: ZC4H2 (zinc finger C4H2-type containing; minus strand). Cytogenetic location: Xq11.2.
Variant type: single nucleotide variant.
Coding change: c.225G>T on transcript NM_018684.4 (MANE Select); coding-DNA position 225, G replaced by T.
Protein change: p.Val75=; no amino-acid change (valine 75 retained).
Molecular consequence: synonymous variant. On other transcripts: non-coding transcript variant (1).
Genome position (GRCh38, 1-based): chrX:64,921,817, C>A on the plus strand (G>T on the coding strand, the complement: ZC4H2 is on the minus strand). VCF-style: chrX-64921817-C-A. GRCh37 (hg19) VCF-style: chrX-64141697-C-A.
Other names: NC_000023.10:g.64141697C>A; c.156G>T, p.Val52= (NM_001178032.3, NM_001243804.2); c.225G>T, p.Val75= (NM_001178033.3).
Identifiers: ClinVar variation 1200091 (VCV001200091.4), dbSNP rs2147349618, ClinGen allele CA516907170.